The following is an entry in ClinVar:

NM_001376.5(DYNC1H1):c.7702G>A (p.Val2568Ile)

Gene: DYNC1H1 (dynein cytoplasmic 1 heavy chain 1; plus strand). Cytogenetic location: 14q32.31.
Variant type: single nucleotide variant.
Coding change: c.7702G>A on transcript NM_001376.5 (MANE Select); coding-DNA position 7702, G replaced by A.
Protein change: p.Val2568Ile; replaces valine 2568 with isoleucine.
Molecular consequence: missense variant.
Genome position (GRCh38, 1-based): chr14:102,016,853, G>A. VCF-style: chr14-102016853-G-A. GRCh37 (hg19) VCF-style: chr14-102483190-G-A.
Other names: short protein forms V2568I.
Identifiers: ClinVar variation 2759744 (VCV002759744.13), dbSNP rs765245789, ClinGen allele CA7352876.

ClinVar aggregate classification (germline): Likely benign. Review status: criteria provided, multiple submitters, no conflicts (2 of 4 stars). 2 submissions from 2 submitters: Likely benign (2). Last evaluated 2025-06-01.

Conditions:
Charcot-Marie-Tooth disease axonal type 2O. Also called: CHARCOT-MARIE-TOOTH NEUROPATHY, AXONAL, TYPE 2O; CHARCOT-MARIE-TOOTH DISEASE, AXONAL, AUTOSOMAL DOMINANT, TYPE 2O; Charcot-Marie-Tooth Neuropathy Type 2O; Charcot-Marie-Tooth disease, axonal, type 20. Identifiers: Orphanet 284232, MedGen C3280220, MONDO:0013644, OMIM 614228.

Allele frequency attached by ClinVar (database versions not stated): gnomAD exomes below 0.00001; TOPMed below 0.00001; ExAC 0.00001; gnomAD 0.00001.
gnomAD v4.1: 8 of 1,614,022 alleles (0.0005%); highest among the groups gnomAD compares: Non-Finnish European, 0.00051%; no homozygotes.

Submissions (2):

CeGaT Center for Human Genetics Tuebingen
Classification: Likely benign. Last evaluated: 2025-06-01. Review status: criteria provided, single submitter. Criteria: CeGaT Center For Human Genetics Tuebingen Variant Classification Criteria Version 2. Collection method: clinical testing. Allele origin: germline. Affected: yes. Observed: 1 variant allele.
Comment: DYNC1H1: PP2, BS2

Labcorp Genetics (formerly Invitae), Labcorp
Classification: Likely benign for Charcot-Marie-Tooth disease axonal type 2O. Last evaluated: 2022-11-28. Review status: criteria provided, single submitter. Criteria: Invitae Variant Classification Sherloc (09022015). Collection method: clinical testing. Allele origin: germline.